The following is an entry in ClinVar:

ClinVar aggregate classification (germline): Uncertain significance (1 of 4 stars; one submission).

Conditions:
Hereditary cancer-predisposing syndrome. Also called: Neoplastic Syndromes, Hereditary; Tumor predisposition; Hereditary Cancer Syndrome; Hereditary neoplastic syndrome. Identifiers: Orphanet 140162, MedGen C0027672, MeSH D009386, MONDO:0015356.

Submission:

Ambry Genetics
Classification: Uncertain significance for Hereditary cancer-predisposing syndrome. Last evaluated: 2026-04-24. Review status: criteria provided, single submitter. Criteria: Ambry Variant Classification Scheme 2023. Collection method: clinical testing. Allele origin: germline.
Comment: The p.S1698G variant (also known as c.5092A>G), located in coding exon 39 of the TSC2 gene, results from an A to G substitution at nucleotide position 5092. The serine at codon 1698 is replaced by glycine, an amino acid with similar properties. This amino acid position is well conserved in available vertebrate species. In addition, this alteration is predicted to be deleterious by in silico analysis. Based on the available evidence, the clinical significance of this variant remains unclear.

NM_000548.5(TSC2):c.5092A>G (p.Ser1698Gly)

Gene: TSC2 (TSC complex subunit 2; plus strand). Cytogenetic location: 16p13.3.
Variant type: single nucleotide variant.
Coding change: c.5092A>G on transcript NM_000548.5 (MANE Select); coding-DNA position 5092, A replaced by G.
Protein change: p.Ser1698Gly; replaces serine 1698 with glycine.
Molecular consequence: missense variant. On other transcripts: non-coding transcript variant (5).
Genome position (GRCh38, 1-based): chr16:2,088,071, A>G. VCF-style: chr16-2088071-A-G. GRCh37 (hg19) VCF-style: chr16-2138072-A-G.
Other names: c.3547A>G, p.Ser1183Gly (NM_001406696.1, NM_001406697.1, NM_001406695.1); c.3289A>G, p.Ser1097Gly (NM_001406698.1); c.4963A>G, p.Ser1655Gly (NM_021055.3, NM_001370405.1); c.4891A>G, p.Ser1631Gly (NM_001077183.3); c.5023A>G, p.Ser1675Gly (NM_001114382.3); c.4783A>G, p.Ser1595Gly (NM_001318827.2); c.4747A>G, p.Ser1583Gly (NM_001318829.2); c.4360A>G, p.Ser1454Gly (NM_001318831.2); and 26 more; short protein forms S1097G, S1183G, S1184G, S1206G, S1207G, S1227G, S1431G, S1432G.
Identifiers: ClinVar variation 4866055 (VCV004866055.1).